The following is an entry in ClinVar:

NM_005120.3(MED12):c.1546C>T (p.Arg516Cys)

Genes: MED12 (mediator complex subunit 12; plus strand), LOC126863275 (BRD4-independent group 4 enhancer GRCh37_chrX:70342400-70343599; plus strand). Cytogenetic location: Xq13.1.
Variant type: single nucleotide variant.
Coding change: c.1546C>T on transcript NM_005120.3 (MANE Select); coding-DNA position 1546, C replaced by T.
Protein change: p.Arg516Cys; replaces arginine 516 with cysteine.
Molecular consequence: missense variant.
Genome position (GRCh38, 1-based): chrX:71,123,155, C>T. VCF-style: chrX-71123155-C-T. GRCh37 (hg19) VCF-style: chrX-70343005-C-T.
Other names: short protein forms R516C.
Identifiers: ClinVar variation 619013 (VCV000619013.3), dbSNP rs1569481124, ClinGen allele CA413507380.
Genomic context (GRCh38, chrX:71,123,155, plus strand): 5'-ATCTCCTCAGATGATGATGCTGTGGTGTCATTGCTATGTGAATGGGCTGTCAGCTGCAAG[C>T]GTTCTGGTCGGCATCGTGCTATGGTGGTAGCCAAGCTCCTGGAGAAGAGACAGGCGGAGA-3'
Protein context (NP_005111.2, residues 506-526): LLCEWAVSCK[Arg516Cys]SGRHRAMVVA

ClinVar aggregate classification (germline): Likely pathogenic. Review status: criteria provided, multiple submitters, no conflicts (2 of 4 stars). 2 submissions from 2 submitters: Likely pathogenic (2). Last evaluated 2024-10-30.

Conditions:
FG syndrome 1 (OKS). Also called: OPITZ-KAVEGGIA SYNDROME; FG Syndrome Type 1 (FGS1); KELLER SYNDROME; MENTAL RETARDATION, LARGE HEAD, IMPERFORATE ANUS, CONGENITAL HYPOTONIA, AND PARTIAL AGENESIS OF CORPUS CALLOSUM. Identifiers: Orphanet 93932, MedGen C5399762, MONDO:0010590, OMIM 305450.
FG syndrome (FGS). Identifiers: MedGen C0220769, MONDO:0002010.

Submissions (2):

Labcorp Genetics (formerly Invitae), Labcorp
Classification: Likely pathogenic for FG syndrome. Last evaluated: 2024-10-30. Review status: criteria provided, single submitter. Criteria: Invitae Variant Classification Sherloc (09022015). Collection method: clinical testing. Allele origin: germline.
Comment: This sequence change replaces arginine, which is basic and polar, with cysteine, which is neutral and slightly polar, at codon 516 of the MED12 protein (p.Arg516Cys). This variant is not present in population databases (gnomAD no frequency). This missense change has been observed in individual(s) with MED12-related conditions (PMID: 36271811). ClinVar contains an entry for this variant (Variation ID: 619013). Invitae Evidence Modeling of protein sequence and biophysical properties (such as structural, functional, and spatial information, amino acid conservation, physicochemical variation, residue mobility, and thermodynamic stability) indicates that this missense variant is expected to disrupt MED12 protein function with a positive predictive value of 95%. This variant disrupts the p.Arg516 amino acid residue in MED12. Other variant(s) that disrupt this residue have been determined to be pathogenic (PMID: 34079076). This suggests that this residue is clinically significant, and that variants that disrupt this residue are likely to be disease-causing. In summary, the currently available evidence indicates that the variant is pathogenic, but additional data are needed to prove that conclusively. Therefore, this variant has been classified as Likely Pathogenic.

HudsonAlpha Institute for Biotechnology
Classification: Likely pathogenic for FG syndrome 1. Last evaluated: 2018-09-20. Review status: criteria provided, single submitter. Criteria: ACMG Guidelines, 2015. Collection method: research. Allele origin: de novo. Affected: yes. Observed: 1 variant allele. Study: AGHI-WGS-HudsonAlpha.

Literature cited by the submitters: PubMed 36271811 (cited by Labcorp Genetics (formerly Invitae), Labcorp); PubMed 34079076 (cited by Labcorp Genetics (formerly Invitae), Labcorp).